The following is an entry in ClinVar:

ClinVar aggregate classification (germline): Uncertain significance (1 of 4 stars; one submission).

Conditions:
SLC10A2-related disorder. Also called: SLC10A2-related condition.

Submission:

PreventionGenetics, part of Exact Sciences
Classification: Uncertain significance for SLC10A2-related condition. Last evaluated: 2025-08-10. Review status: criteria provided, single submitter. Criteria: ACMG Guidelines, 2015. Collection method: clinical testing. Allele origin: germline.
Comment: The SLC10A2 c.188delA variant is predicted to result in a frameshift and premature protein termination (p.Lys63Serfs*36). To our knowledge, this variant has not been reported in the literature or in a large population database (gnomAD), indicating this variant is rare. This variant is interpreted as no interpretation set.

NM_000452.3(SLC10A2):c.188del (p.Lys63fs)

Gene: SLC10A2 (solute carrier family 10 member 2; minus strand). Cytogenetic location: 13q33.1.
Variant type: Deletion.
Coding change: c.188del on transcript NM_000452.3 (MANE Select); coding-DNA position 188, one base deleted (A; older notation c.188delA).
Protein change: p.Lys63fs; shifts the reading frame from lysine 63.
Molecular consequence: frameshift variant.
Genome position (GRCh38, 1-based): chr13:103,066,062, T deleted on the plus strand (A on the coding strand, the reverse complement: SLC10A2 is on the minus strand); the first of 3 consecutive T bases (chr13:103,066,062-103,066,064); deleting any one gives the same sequence. VCF-style (leftmost placement, unchanged base first): chr13-103066061-CT-C. GRCh37 (hg19) VCF-style: chr13-103718411-CT-C.
Other names: short protein forms K63fs.
Identifiers: ClinVar variation 4984044 (VCV004984044.1).